The following is an entry in ClinVar:

NM_017780.4(CHD7):c.5981G>A (p.Trp1994Ter)

Gene: CHD7 (chromodomain helicase DNA binding protein 7; plus strand). Cytogenetic location: 8q12.2.
Variant type: single nucleotide variant.
Coding change: c.5981G>A on transcript NM_017780.4 (MANE Select); coding-DNA position 5981, G replaced by A.
Protein change: p.Trp1994Ter; replaces tryptophan 1994 with a stop codon.
Molecular consequence: nonsense. On other transcripts: intron variant (1).
Genome position (GRCh38, 1-based): chr8:60,852,584, G>A. VCF-style: chr8-60852584-G-A. GRCh37 (hg19) VCF-style: chr8-61765143-G-A.
Other names: c.1717-9645G>A (NM_001316690.1); short protein forms W1994*.
Identifiers: ClinVar variation 4993255 (VCV004993255.1).
Genomic context (GRCh38, chr8:60,852,584, plus strand): 5'-TTTACCGTGTGGTATCCACCTTTGGGGTTATTTTTGACCCTGTGAAACAGCAATTTGACT[G>A]GAACCAATTTAGAGCCTTTGCCAGGCTTGACAAAAAATCTGATGAGAGTTTGGAGAAATA-3'

ClinVar aggregate classification (germline): Pathogenic (1 of 4 stars; one submission).

Conditions:
CHD7-related disorder. Also called: CHD7-related condition.

Submission:

PreventionGenetics, part of Exact Sciences
Classification: Pathogenic for CHD7-related condition. Last evaluated: 2026-01-19. Review status: criteria provided, single submitter. Criteria: ACMG Guidelines, 2015. Collection method: clinical testing. Allele origin: germline.
Comment: The CHD7 c.5981G>A variant is predicted to result in premature protein termination (p.Trp1994*). This variant has been reported in an individual with CHARGE syndrome (Patient 3 in Van de Laar et al. 2007. PubMed ID: 17937444). This variant has not been reported in a large population database (gnomAD), indicating this variant is rare. Nonsense variants in CHD7 are expected to be pathogenic. This variant is interpreted as pathogenic.